The following is an entry in ClinVar:

ClinVar aggregate classification (germline): Uncertain significance (1 of 4 stars; one submission).

gnomAD v4.1: 2 of 1,613,898 alleles (0.00012%); highest among the groups gnomAD compares: Admixed American, 0.0033%; no homozygotes.

Submission:

Dasa
Classification: Uncertain significance. Last evaluated: 2024-07-15. Review status: criteria provided, single submitter. Criteria: DASA Assertion Criteria. Collection method: clinical testing. Allele origin: germline.
Comment: NM_001374828.1(ARID1B):c.3919+4A>G is a splice-region variant. This variant is rare in population databases. Computational prediction algorithms are consistent with a benign effect. The currently available literature and clinical evidence are not sufficient to establish a definitive association between this variant and the reported condition. Therefore, this variant is classified as a variant of uncertain significance.

NM_001374828.1(ARID1B):c.3919+4A>G

Gene: ARID1B (AT-rich interaction domain 1B; plus strand). Cytogenetic location: 6q25.3.
Variant type: single nucleotide variant.
Coding change: c.3919+4A>G on transcript NM_001374828.1 (MANE Select); 4 bases into the intron after coding-DNA position 3919, A replaced by G.
Molecular consequence: intron variant.
Genome position (GRCh38, 1-based): chr6:157,184,439, A>G. VCF-style: chr6-157184439-A-G. GRCh37 (hg19) VCF-style: chr6-157505573-A-G.
Other names: c.3799+4A>G (NM_001371656.1, NM_001374820.1); c.3961+4A>G (NM_001438483.1); c.3802+4A>G (NM_001438486.1); c.4048+4A>G (NM_001438482.1); c.3760+4A>G (NM_017519.3); c.3739+4A>G (NM_001438487.1); c.3829+4A>G (NM_001438485.1); c.1420+4A>G (NM_001363725.2); and 1 more.
Identifiers: ClinVar variation 4881180 (VCV004881180.2).